The following is an entry in ClinVar:

NM_005219.5(DIAPH1):c.964A>G (p.Ile322Val)

Gene: DIAPH1 (diaphanous related formin 1; minus strand). Cytogenetic location: 5q31.3.
Variant type: single nucleotide variant.
Coding change: c.964A>G on transcript NM_005219.5 (MANE Select); coding-DNA position 964, A replaced by G.
Protein change: p.Ile322Val; replaces isoleucine 322 with valine.
Molecular consequence: missense variant.
Genome position (GRCh38, 1-based): chr5:141,578,595, T>C on the plus strand (A>G on the coding strand, the complement: DIAPH1 is on the minus strand). VCF-style: chr5-141578595-T-C. GRCh37 (hg19) VCF-style: chr5-140958162-T-C.
Other names: c.937A>G, p.Ile313Val (NM_001079812.3); c.964A>G, p.Ile322Val (NM_001314007.2); short protein forms I313V, I322V.
Identifiers: ClinVar variation 3755848 (VCV003755848.2).

ClinVar aggregate classification (germline): Uncertain significance (1 of 4 stars; one submission).

Conditions:
Autosomal dominant nonsyndromic hearing loss 1. Also called: KONIGSMARK SYNDROME; DEAFNESS, AUTOSOMAL DOMINANT 1, WITH OR WITHOUT THROMBOCYTOPENIA. Identifiers: Orphanet 90635, MedGen C1852282, MONDO:0007424, OMIM 124900.
Progressive microcephaly-seizures-cortical blindness-developmental delay syndrome. Also called: Seizures, cortical blindness, and microcephaly syndrome. Identifiers: Orphanet 477814, MedGen C5567650, MONDO:0014714, OMIM 616632.

Submission:

Labcorp Genetics (formerly Invitae), Labcorp
Classification: Uncertain significance for Progressive microcephaly-seizures-cortical blindness-developmental delay syndrome; Autosomal dominant nonsyndromic hearing loss 1. Last evaluated: 2024-05-06. Review status: criteria provided, single submitter. Criteria: Invitae Variant Classification Sherloc (09022015). Collection method: clinical testing. Allele origin: germline.
Comment: This sequence change replaces isoleucine, which is neutral and non-polar, with valine, which is neutral and non-polar, at codon 322 of the DIAPH1 protein (p.Ile322Val). This variant is not present in population databases (gnomAD no frequency). This variant has not been reported in the literature in individuals affected with DIAPH1-related conditions. Experimental studies and prediction algorithms are not available or were not evaluated, and the functional significance of this variant is currently unknown. In summary, the available evidence is currently insufficient to determine the role of this variant in disease. Therefore, it has been classified as a Variant of Uncertain Significance.